The following is an entry in ClinVar:

NM_000512.5(GALNS):c.1361T>C (p.Leu454Pro)

Gene: GALNS (galactosamine (N-acetyl)-6-sulfatase; minus strand). Cytogenetic location: 16q24.3.
Variant type: single nucleotide variant.
Coding change: c.1361T>C on transcript NM_000512.5 (MANE Select); coding-DNA position 1361, T replaced by C.
Protein change: p.Leu454Pro; replaces leucine 454 with proline.
Molecular consequence: missense variant.
Genome position (GRCh38, 1-based): chr16:88,822,592, A>G on the plus strand (T>C on the coding strand, the complement: GALNS is on the minus strand). VCF-style: chr16-88822592-A-G. GRCh37 (hg19) VCF-style: chr16-88889000-A-G.
Other names: c.806T>C, p.Leu269Pro (NM_001323543.2); c.1379T>C, p.Leu460Pro (NM_001323544.2); short protein forms L269P, L454P, L460P.
Identifiers: ClinVar variation 1048508 (VCV001048508.3), dbSNP rs2142992298, ClinGen allele CA397095843.

ClinVar aggregate classification (germline): Uncertain significance (1 of 4 stars; one submission).

Conditions:
Mucopolysaccharidosis, MPS-IV-A (MPS4A). Also called: Mucopolysaccharidosis type IV A; Mucopolysaccharidosis Type IVA; Morquio syndrome A, mild; MORQUIO SYNDROME A; MPS IVA; mucopolysaccharidosis type 4A. Identifiers: Orphanet 309297, Orphanet 582, MedGen C0086651, MONDO:0009659, OMIM 253000.

Submission:

Laboratory of Diagnosis and Therapy of Lysosomal Disorders, University of Padova
Classification: Uncertain significance for Mucopolysaccharidosis, MPS-IV-A. Last evaluated: 2021-02-01. Review status: criteria provided, single submitter. Criteria: ACMG Guidelines, 2015. Collection method: curation. Allele origin: germline. Affected: yes.
Comment: Absent from gnomAD v2.1.1 (PM2_moderate); multiple lines of computational evidence support a deleterious effect on the gene (PP3_supporting)

Literature cited by the submitters: PubMed 24120057; PubMed 34387910.